The following is an entry in ClinVar:

NM_000179.3(MSH6):c.1476G>T (p.Met492Ile)

Gene: MSH6 (mutS homolog 6; plus strand). Cytogenetic location: 2p16.3.
Variant type: single nucleotide variant.
Coding change: c.1476G>T on transcript NM_000179.3 (MANE Select); coding-DNA position 1476, G replaced by T.
Protein change: p.Met492Ile; replaces methionine 492 with isoleucine.
Molecular consequence: missense variant.
Genome position (GRCh38, 1-based): chr2:47,799,459, G>T. VCF-style: chr2-47799459-G-T. GRCh37 (hg19) VCF-style: chr2-48026598-G-T.
Other names: c.1086G>T, p.Met362Ile (NM_001281492.2); c.570G>T, p.Met190Ile (NM_001281493.2, NM_001281494.2); short protein forms M190I, M362I, M492I.
Identifiers: ClinVar variation 664324 (VCV000664324.11), dbSNP rs1572723130, ClinGen allele CA346745978.

ClinVar aggregate classification (germline): Uncertain significance (1 of 4 stars; one submission).

Conditions:
Hereditary nonpolyposis colorectal neoplasms. Identifiers: MedGen C0009405, MeSH D003123.

Submission:

Labcorp Genetics (formerly Invitae), Labcorp
Classification: Uncertain significance for Hereditary nonpolyposis colorectal neoplasms. Last evaluated: 2019-06-19. Review status: criteria provided, single submitter. Criteria: Invitae Variant Classification Sherloc (09022015). Collection method: clinical testing. Allele origin: germline.
Comment: This sequence change replaces methionine with isoleucine at codon 492 of the MSH6 protein (p.Met492Ile). The methionine residue is highly conserved and there is a small physicochemical difference between methionine and isoleucine. This variant is not present in population databases (ExAC no frequency). This variant has not been reported in the literature in individuals with MSH6-related disease. Algorithms developed to predict the effect of missense changes on protein structure and function are either unavailable or do not agree on the potential impact of this missense change (SIFT: "Tolerated"; PolyPhen-2: "Probably Damaging"; Align-GVGD: "Class C0"). In summary, the available evidence is currently insufficient to determine the role of this variant in disease. Therefore, it has been classified as a Variant of Uncertain Significance.